The following is an entry in ClinVar:

NM_004260.4(RECQL4):c.2560_2561insACTGCA (p.Cys853_Thr854insAsnCys)

Gene: RECQL4 (RecQ like helicase 4; minus strand). Cytogenetic location: 8q24.3.
Variant type: Insertion.
Coding change: c.2560_2561insACTGCA on transcript NM_004260.4 (MANE Select); coding-DNA positions 2560 to 2561, ACTGCA inserted.
Protein change: p.Cys853_Thr854insAsnCys.
Molecular consequence: inframe insertion.
Genome position: GRCh38 VCF-style: chr8-144513041-G-GTGCAGT. GRCh37 (hg19) VCF-style: chr8-145738424-G-GTGCAGT.
Identifiers: ClinVar variation 1522451 (VCV001522451.6), dbSNP rs2130672276, ClinGen allele CA2573143068.

ClinVar aggregate classification (germline): Uncertain significance (1 of 4 stars; one submission).

Conditions:
Baller-Gerold syndrome (BGS). Also called: CRANIOSYNOSTOSIS WITH RADIAL DEFECTS. Identifiers: Orphanet 1225, MedGen C0265308, MONDO:0009039, OMIM 218600.

Submission:

Labcorp Genetics (formerly Invitae), Labcorp
Classification: Uncertain significance for Baller-Gerold syndrome. Last evaluated: 2025-03-17. Review status: criteria provided, single submitter. Criteria: Invitae Variant Classification Sherloc (09022015). Collection method: clinical testing. Allele origin: germline.
Comment: This variant, c.2560_2561insACTGCA, results in the insertion of 2 amino acid(s) to the ALMS1 protein (p.Cys853_Thr854insAsnCys), but otherwise preserves the integrity of the reading frame. This variant is not present in population databases (gnomAD no frequency). This variant has not been reported in the literature in individuals affected with RECQL4-related conditions. ClinVar contains an entry for this variant (Variation ID: 1522451). Experimental studies and prediction algorithms are not available or were not evaluated, and the functional significance of this variant is currently unknown. In summary, the available evidence is currently insufficient to determine the role of this variant in disease. Therefore, it has been classified as a Variant of Uncertain Significance.